The following is an entry in ClinVar:

NM_005267.5(GJA8):c.262C>G (p.Pro88Ala)

Gene: GJA8 (gap junction protein alpha 8; plus strand). Cytogenetic location: 1q21.2.
Variant type: single nucleotide variant.
Coding change: c.262C>G on transcript NM_005267.5 (MANE Select); coding-DNA position 262, C replaced by G.
Protein change: p.Pro88Ala; replaces proline 88 with alanine.
Molecular consequence: missense variant.
Genome position (GRCh38, 1-based): chr1:147,908,217, C>G. VCF-style: chr1-147908217-C-G. GRCh37 (hg19) VCF-style: chr1-147380344-C-G.
Other names: short protein forms P88A.
Identifiers: ClinVar variation 650108 (VCV000650108.34), dbSNP rs80358200, ClinGen allele CA342223739.

ClinVar aggregate classification (germline): Pathogenic/Likely pathogenic. Review status: criteria provided, multiple submitters, no conflicts (2 of 4 stars). 3 submissions from 3 submitters: Pathogenic (1); Likely pathogenic (2). Last evaluated 2024-01-01.

Conditions:
Cataract 1 multiple types. Also called: CATARACT 1, MULTIPLE TYPES, WITH OR WITHOUT MICROCORNEA; CATARACT 1, POSTERIOR SUBCAPSULAR, WITH MICROCORNEA; CATARACT 1, STELLATE NUCLEAR, WITH MICROCORNEA; CATARACT 1, NUCLEAR PROGRESSIVE; CATARACT 1 WITH MICROCORNEA; CATARACT, DUFFY-LINKED. Identifiers: Orphanet 1377, MedGen C1861828, MONDO:0007285, OMIM 116200.

Submissions (3):

CeGaT Center for Human Genetics Tuebingen
Classification: Likely pathogenic. Last evaluated: 2024-01-01. Review status: criteria provided, single submitter. Criteria: CeGaT Center For Human Genetics Tuebingen Variant Classification Criteria Version 2. Collection method: clinical testing. Allele origin: germline. Affected: yes. Observed: 1 variant allele.
Comment: GJA8: PM1, PM2, PM5, PM6:Supporting, PP3, PS4:Supporting

Labcorp Genetics (formerly Invitae), Labcorp
Classification: Pathogenic for Cataract 1 multiple types. Last evaluated: 2019-01-18. Review status: criteria provided, single submitter. Criteria: Invitae Variant Classification Sherloc (09022015). Collection method: clinical testing. Allele origin: germline.
Comment: For these reasons, this variant has been classified as Pathogenic. This variant disrupts the p.Pro88 amino acid residue in GJA8. Other variant(s) that disrupt this residue have been observed in individuals with GJA8-related conditions (PMID: 9497259, 19073179, 12800976, 18587493, 16397066, 24535056), suggesting that it is a clinically significant residue. As a result, variants that disrupt this residue are likely to be causative of disease. Algorithms developed to predict the effect of missense changes on protein structure and function (SIFT, PolyPhen-2, Align-GVGD) all suggest that this variant is likely to be disruptive, but these predictions have not been confirmed by published functional studies and their clinical significance is uncertain. This variant is not present in population databases (ExAC no frequency). This sequence change replaces proline with alanine at codon 88 of the GJA8 protein (p.Pro88Ala). The proline residue is highly conserved and there is a small physicochemical difference between proline and alanine.

Juno Genomics, Hangzhou Juno Genomics, Inc
Classification: Likely pathogenic for Cataract 1 multiple types. Review status: criteria provided, single submitter. Criteria: ACMG Guidelines, 2015. Collection method: clinical testing. Allele origin: germline. Affected: yes.
Comment: Absent from controls (or at extremely low frequency if recessive) in Genome Aggregation Database, Exome Sequencing Project, 1000 Genomes Project, or Exome Aggregation Consortium.;Multiple lines of computational evidence support a deleterious effect on the gene or gene product (conservation, evolutionary, splicing impact, etc).;Patient's phenotype or family history is highly specific for a disease with a single genetic etiology.;Novel missense change at an amino acid residue where a different missense change determined to be pathogenic has been seen before.

Literature cited by the submitters: PubMed 9497259 (cited by Labcorp Genetics (formerly Invitae), Labcorp); PubMed 19073179 (cited by Labcorp Genetics (formerly Invitae), Labcorp); PubMed 12800976 (cited by Labcorp Genetics (formerly Invitae), Labcorp); PubMed 18587493 (cited by Labcorp Genetics (formerly Invitae), Labcorp); PubMed 16397066 (cited by Labcorp Genetics (formerly Invitae), Labcorp); PubMed 24535056 (cited by Labcorp Genetics (formerly Invitae), Labcorp).